The following is an entry in ClinVar:

NM_000138.5(FBN1):c.169A>G (p.Asn57Asp)

Gene: FBN1 (fibrillin 1; minus strand). Cytogenetic location: 15q21.1.
Variant type: single nucleotide variant.
Coding change: c.169A>G on transcript NM_000138.5 (MANE Select); coding-DNA position 169, A replaced by G.
Protein change: p.Asn57Asp; replaces asparagine 57 with aspartic acid.
Molecular consequence: missense variant.
Genome position (GRCh38, 1-based): chr15:48,613,088, T>C on the plus strand (A>G on the coding strand, the complement: FBN1 is on the minus strand). VCF-style: chr15-48613088-T-C. GRCh37 (hg19) VCF-style: chr15-48905285-T-C.
Other names: short protein forms N57D.
Identifiers: ClinVar variation 1018383 (VCV001018383.8), dbSNP rs2044669685, ClinGen allele CA392448528.

ClinVar aggregate classification (germline): Pathogenic (1 of 4 stars; one submission).

Conditions:
Marfan syndrome (MFS). Also called: FBN1-Related Marfan Syndrome; MARFAN SYNDROME, TYPE I; Marfan syndrome type 1; Marfan's syndrome; Marfan syndrome, classic. Identifiers: Orphanet 284963, Orphanet 558, MedGen C0024796, MONDO:0007947, OMIM 154700.
Familial thoracic aortic aneurysm and aortic dissection (TAAD). Also called: Thoracic aortic aneurysms and dissections. Identifiers: Orphanet 91387, MedGen C4707243, MONDO:0019625.

Submission:

Labcorp Genetics (formerly Invitae), Labcorp
Classification: Pathogenic for Marfan syndrome; Familial thoracic aortic aneurysm and aortic dissection. Last evaluated: 2025-08-30. Review status: criteria provided, single submitter. Criteria: Invitae Variant Classification Sherloc (09022015). Collection method: clinical testing. Allele origin: germline.
Comment: This sequence change replaces asparagine, which is neutral and polar, with aspartic acid, which is acidic and polar, at codon 57 of the FBN1 protein (p.Asn57Asp). This variant is not present in population databases (gnomAD no frequency). This missense change has been observed in individuals with clinical features of Marfan syndrome (PMID: 19533785, 24199744; internal data). ClinVar contains an entry for this variant (Variation ID: 1018383). Invitae Evidence Modeling of protein sequence and biophysical properties (such as structural, functional, and spatial information, amino acid conservation, physicochemical variation, residue mobility, and thermodynamic stability) indicates that this missense variant is expected to disrupt FBN1 protein function with a positive predictive value of 95%. This variant disrupts the p.Asn57 amino acid residue in FBN1. Other variant(s) that disrupt this residue have been observed in individuals with FBN1-related conditions (internal data), which suggests that this may be a clinically significant amino acid residue. For these reasons, this variant has been classified as Pathogenic.

Literature cited by the submitters: PubMed 19533785; PubMed 24199744.